The following is an entry in ClinVar:

ClinVar aggregate classification (germline): Uncertain significance (1 of 4 stars; one submission).

Conditions:
Leigh syndrome (NULS). Also called: Leigh's necrotizing encephalopathy; Leigh's disease; Leigh Syndrome (mtDNA deletion); Leigh Disease; Subacute necrotizing encephalopathy; Necrotizing encephalopathy infantile subacute of Leigh. Identifiers: Orphanet 506, MedGen C2931891, MONDO:0009723, OMIM 256000.

Submission:

Wong Mito Lab, Molecular and Human Genetics, Baylor College of Medicine
Classification: Uncertain significance for Leigh syndrome. Last evaluated: 2019-10-17. Review status: criteria provided, single submitter. Criteria: Modified ACMG Guidelines (Unpublished). Collection method: clinical testing. Allele origin: germline.
Comment: The NC_012920.1:m.8394C>T (YP_003024030.1:p.Pro10Leu) variant in MTATP8 gene is interpretated to be a Uncertain Significance variant based on the modified ACMG guidelines (unpublished). This variant meets the following evidence codes: PP4

NC_012920.1(MT-ATP8):m.8394C>T

Gene: MT-ATP8 (mitochondrially encoded ATP synthase 8; plus strand).
Variant type: single nucleotide variant.
Genome position: chrM-8394-C-T.
Identifiers: ClinVar variation 692841 (VCV000692841.1), dbSNP rs1603221450, ClinGen allele CA414795917.
Genomic context (GRCh38, chrMT:8,394, plus strand): 5'-GATTAAGAGAACCAACACCTCTTTACAGTGAAATGCCCCAACTAAATACTACCGTATGGC[C>T]CACCATAATTACCCCCATACTCCTTACACTATTCCTCATCACCCAACTAAAAATATTAAA-3'